The following is an entry in ClinVar:

NM_017514.5(PLXNA3):c.1301G>A (p.Ser434Asn)

Gene: PLXNA3 (plexin A3; plus strand). Cytogenetic location: Xq28.
Variant type: single nucleotide variant.
Coding change: c.1301G>A on transcript NM_017514.5 (MANE Select); coding-DNA position 1301, G replaced by A.
Protein change: p.Ser434Asn; replaces serine 434 with asparagine.
Molecular consequence: missense variant.
Genome position (GRCh38, 1-based): chrX:154,462,294, G>A. VCF-style: chrX-154462294-G-A. GRCh37 (hg19) VCF-style: chrX-153690634-G-A.
Other names: short protein forms S434N.
Identifiers: ClinVar variation 3648403 (VCV003648403.2).
Genomic context (GRCh38, chrX:154,462,294, plus strand): 5'-TGGCCAGCGTGGCCGCCTACACCTACCGCCAGCACTCTGTGGTCTTCATTGGCACGCGCA[G>A]CGGCAGCTTGAAGAAGGTGGCCCCCAGAGCCCTGGGCATGTGGGGGTGGGGACAGTCTCA-3'
Protein context (NP_059984.3, residues 424-444): QHSVVFIGTR[Ser434Asn]GSLKKVRVDG

ClinVar aggregate classification (germline): Uncertain significance (1 of 4 stars; one submission).

Submission:

Labcorp Genetics (formerly Invitae), Labcorp
Classification: Uncertain significance. Last evaluated: 2024-04-02. Review status: criteria provided, single submitter. Criteria: Invitae Variant Classification Sherloc (09022015). Collection method: clinical testing. Allele origin: germline.
Comment: This sequence change replaces serine, which is neutral and polar, with asparagine, which is neutral and polar, at codon 434 of the PLXNA3 protein (p.Ser434Asn). This variant is not present in population databases (gnomAD no frequency). This variant has not been reported in the literature in individuals affected with PLXNA3-related conditions. Advanced modeling of protein sequence and biophysical properties (such as structural, functional, and spatial information, amino acid conservation, physicochemical variation, residue mobility, and thermodynamic stability) performed at Invitae indicates that this missense variant is not expected to disrupt PLXNA3 protein function with a negative predictive value of 80%. In summary, the available evidence is currently insufficient to determine the role of this variant in disease. Therefore, it has been classified as a Variant of Uncertain Significance.